The following is an entry in ClinVar:

NM_001243279.3(ACSF3):c.782G>A (p.Gly261Glu)

Gene: ACSF3 (acyl-CoA synthetase family member 3; plus strand). Cytogenetic location: 16q24.3.
Variant type: single nucleotide variant.
Coding change: c.782G>A on transcript NM_001243279.3 (MANE Select); coding-DNA position 782, G replaced by A.
Protein change: p.Gly261Glu; replaces glycine 261 with glutamic acid.
Molecular consequence: missense variant. On other transcripts: 5 prime UTR variant (1), non-coding transcript variant (3).
Genome position (GRCh38, 1-based): chr16:89,102,719, G>A. VCF-style: chr16-89102719-G-A. GRCh37 (hg19) VCF-style: chr16-89169127-G-A.
Other names: c.782G>A, p.Gly261Glu (NM_001127214.4, NM_174917.5); c.-14G>A (NM_001284316.2); short protein forms G261E.
Identifiers: ClinVar variation 3907629 (VCV003907629.1).

ClinVar aggregate classification (germline): Uncertain significance (1 of 4 stars; one submission).

gnomAD v4.1: 16 of 1,612,626 alleles (0.00099%); highest among the groups gnomAD compares: Non-Finnish European, 0.0014%; no homozygotes.

Submission:

Women's Health and Genetics/Laboratory Corporation of America, LabCorp
Classification: Uncertain significance. Last evaluated: 2025-06-20. Review status: criteria provided, single submitter. Criteria: LabCorp Variant Classification Summary - May 2015. Collection method: clinical testing. Allele origin: germline.
Comment: Variant summary: ACSF3 c.782G>A (p.Gly261Glu) results in a non-conservative amino acid change in the encoded protein sequence. Algorithms developed to predict the effect of missense changes on protein structure and function all suggest that this variant is likely to be disruptive. The variant was absent in 250776 control chromosomes. The available data on variant occurrences in the general population are insufficient to allow any conclusion about variant significance. c.782G>A has been observed in a compound heterozygous individual affected with Combined Malonic And Methylmalonic Aciduria (Ghosh_2017). These data do not allow any conclusion about variant significance. To our knowledge, no experimental evidence demonstrating an impact on protein function has been reported. The following publication has been ascertained in the context of this evaluation (PMID: 28468868). No submitters have cited clinical-significance assessments for this variant to ClinVar. Based on the evidence outlined above, the variant was classified as uncertain significance.

Literature cited by the submitters: PubMed 28468868.